The following is an entry in ClinVar:

ClinVar aggregate classification (germline): Benign/Likely benign. Review status: criteria provided, multiple submitters, no conflicts (2 of 4 stars). 2 submissions from 2 submitters: Benign (1); Likely benign (1). Last evaluated 2018-01-13.

Conditions:
Retinitis pigmentosa (RP). Identifiers: Orphanet 791, MedGen C0035334, MeSH D012174, MONDO:0019200, OMIM 268000. Inheritance: Autosomal dominant, autosomal recessive and X linked inheritance.

Allele frequency attached by ClinVar (database versions not stated): gnomAD exomes 0.00516; gnomAD 0.02572 and 0.02758; TOPMed 0.02926; 1000 Genomes Project 0.03195; 1000 Genomes Project 30x 0.03576.
gnomAD v4.1: 4,249 of 220,812 alleles (1.9%); highest among the groups gnomAD compares: African/African-American, 8.7%; 173 homozygotes.

Submissions (2):

Illumina Laboratory Services, Illumina
Classification: Benign for Retinitis pigmentosa. Last evaluated: 2018-01-13. Review status: criteria provided, single submitter. Criteria: ICSL Variant Classification Criteria 13 December 2019. Collection method: clinical testing. Allele origin: germline.
Comment: This variant was observed in the ICSL laboratory as part of a predisposition screen in an ostensibly healthy population. It had not been previously curated by ICSL or reported in the Human Gene Mutation Database (HGMD: prior to June 1st, 2018), and was therefore a candidate for classification through an automated scoring system. Utilizing variant allele frequency, disease prevalence and penetrance estimates, and inheritance mode, an automated score was calculated to assess if this variant is too frequent to cause the disease. Based on the score and internal cut-off values, a variant classified as benign is not then subjected to further curation. The score for this variant resulted in a classification of benign for this disease.

Breakthrough Genomics
Classification: Likely benign. Review status: criteria provided, single submitter. Criteria: ACMG Guidelines, 2015. Collection method: not provided. Allele origin: germline. Inheritance: Unknown mechanism. Affected: yes.

NM_002098.6(GUCA1B):c.*480G>A

Gene: GUCA1B (guanylate cyclase activator 1B; minus strand). Cytogenetic location: 6p21.1.
Variant type: single nucleotide variant.
Coding change: c.*480G>A on transcript NM_002098.6 (MANE Select); 480 bases downstream of the stop codon, G replaced by A.
Molecular consequence: 3 prime UTR variant.
Genome position (GRCh38, 1-based): chr6:42,184,335, C>T on the plus strand (G>A on the coding strand, the complement: GUCA1B is on the minus strand). VCF-style: chr6-42184335-C-T. GRCh37 (hg19) VCF-style: chr6-42152073-C-T.
Identifiers: ClinVar variation 356720 (VCV000356720.7), dbSNP rs113734032, ClinGen allele CA10626829.